The following is an entry in ClinVar:

NM_004006.3(DMD):c.8217+23338A>G

Gene: DMD (dystrophin; minus strand). Cytogenetic location: Xp21.1.
Variant type: single nucleotide variant.
Coding change: c.8217+23338A>G on transcript NM_004006.3 (MANE Select); 23338 bases into the intron after coding-DNA position 8217, A replaced by G.
Molecular consequence: intron variant.
Genome position (GRCh38, 1-based): chrX:31,604,335, T>C on the plus strand (A>G on the coding strand, the complement: DMD is on the minus strand). VCF-style: chrX-31604335-T-C. GRCh37 (hg19) VCF-style: chrX-31622452-T-C.
Other names: c.8193+23338A>G (NM_000109.4); c.4194+23338A>G (NM_004011.4); c.4185+23338A>G (NM_004012.4); c.837+23338A>G (NM_004023.3, NM_004020.4, NM_004022.3 and 2 more transcripts); c.8205+23338A>G (NM_004009.3); c.7848+23338A>G (NM_004010.3).
Identifiers: ClinVar variation 3899275 (VCV003899275.1).
Genomic context (GRCh38, chrX:31,604,335, plus strand): 5'-GCTAAATAGAATGATATGTTTTAAAATGGCTATCTCCATGGGCTTATTTTTTTTTTCTCA[T>C]CTGATAAGTGGATTCAATGATTTCCAAGATTTTGTTTTCAACTCTGTGATTCTATGGTCT-3'

ClinVar aggregate classification (germline): Uncertain significance (1 of 4 stars; one submission).

Conditions:
Becker muscular dystrophy (BMD). Also called: MUSCULAR DYSTROPHY, PSEUDOHYPERTROPHIC PROGRESSIVE, BECKER TYPE; Becker Muscular Dystrophy (BMD). Identifiers: Orphanet 98895, MedGen C0917713, MONDO:0010311, OMIM 300376.

Submission:

Department of Clinical Genetics, Copenhagen University Hospital, Rigshospitalet
Classification: Uncertain significance for Becker muscular dystrophy. Last evaluated: 2025-01-13. Review status: criteria provided, single submitter. Criteria: ACMG Guidelines, 2015. Collection method: clinical testing. Allele origin: germline.
Comment: PM2_Sup, PP3_Sup, PP4_Sup